The following is an entry in ClinVar:

NM_022725.4(FANCF):c.604C>A (p.Leu202Met)

Gene: FANCF (FA complementation group F; minus strand). Cytogenetic location: 11p14.3.
Variant type: single nucleotide variant.
Coding change: c.604C>A on transcript NM_022725.4 (MANE Select); coding-DNA position 604, C replaced by A.
Protein change: p.Leu202Met; replaces leucine 202 with methionine.
Molecular consequence: missense variant.
Genome position (GRCh38, 1-based): chr11:22,625,207, G>T on the plus strand (C>A on the coding strand, the complement: FANCF is on the minus strand). VCF-style: chr11-22625207-G-T. GRCh37 (hg19) VCF-style: chr11-22646753-G-T.
Other names: short protein forms L202M.
Identifiers: ClinVar variation 4738207 (VCV004738207.1).

ClinVar aggregate classification (germline): Uncertain significance (1 of 4 stars; one submission).

Conditions:
Fanconi anemia (FA). Also called: Fanconi's anemia. Identifiers: Orphanet 84, MedGen C0015625, MeSH D005199, MONDO:0019391.

Submission:

Labcorp Genetics (formerly Invitae), Labcorp
Classification: Uncertain significance for Fanconi anemia. Last evaluated: 2025-12-16. Review status: criteria provided, single submitter. Criteria: Invitae Variant Classification Sherloc (09022015). Collection method: clinical testing. Allele origin: germline.
Comment: This sequence change replaces leucine, which is neutral and non-polar, with methionine, which is neutral and non-polar, at codon 202 of the FANCF protein (p.Leu202Met). This variant is present in population databases (no rsID available, gnomAD 0.003%). This variant has not been reported in the literature in individuals affected with FANCF-related conditions. Invitae Evidence Modeling of protein sequence and biophysical properties (such as structural, functional, and spatial information, amino acid conservation, physicochemical variation, residue mobility, and thermodynamic stability) indicates that this missense variant is expected to disrupt FANCF protein function with a positive predictive value of 80%. In summary, the available evidence is currently insufficient to determine the role of this variant in disease. Therefore, it has been classified as a Variant of Uncertain Significance.